The following is an entry in ClinVar:

ClinVar aggregate classification (germline): Pathogenic (1 of 4 stars; one submission).

Conditions:
Donnai-Barrow syndrome. Also called: DBS/FOAR SYNDROME; FACIOOCULOACOUSTICORENAL SYNDROME. Identifiers: Orphanet 2143, MedGen C1857277, MONDO:0009104, OMIM 222448.

Submission:

Myriad Genetics, Inc.
Classification: Pathogenic for Donnai-Barrow syndrome. Last evaluated: 2025-11-10. Review status: criteria provided, single submitter. Criteria: Myriad Autosomal Dominant, Autosomal Recessive and X-Linked Classification Criteria (2023). Collection method: clinical testing. Allele origin: unknown.
Comment: NM_004525.2(LRP2):c.5835_5836delAG(G1946Kfs*24) is expected to be pathogenic in the context of Donnai-Barrow syndrome. This variant is predicted to lead to an abnormal or absent protein product due to the creation of a premature termination codon in LRP2, a gene where loss-of-function variants are known to be pathogenic. Please note: this variant was assessed in the context of healthy population screening.

NM_004525.3(LRP2):c.5835_5836del (p.Gly1946fs)

Gene: LRP2 (LDL receptor related protein 2; minus strand). Cytogenetic location: 2q31.1.
Variant type: Microsatellite.
Coding change: c.5835_5836del on transcript NM_004525.3 (MANE Select); coding-DNA positions 5835 to 5836, 2 bases deleted (AG; older notation c.5835_5836delAG).
Protein change: p.Gly1946fs; shifts the reading frame from glycine 1946.
Molecular consequence: frameshift variant.
Genome position (GRCh38, 1-based): chr2:169,213,861-169,213,862, CT deleted on the plus strand (AG on the coding strand, the reverse complement: LRP2 is on the minus strand); deleting any 2 consecutive bases within chr2:169,213,861-169,213,864 gives the same sequence; the c. name uses the placement nearest the transcript's 3' end. VCF-style (leftmost placement, unchanged base first): chr2-169213860-CCT-C. GRCh37 (hg19) VCF-style: chr2-170070370-CCT-C.
Other names: short protein forms G1946fs.
Identifiers: ClinVar variation 5015189 (VCV005015189.1).
Genomic context (GRCh38, chr2:169,213,860, plus strand): 5'-ATTCCCCAGGGGTGGGAAAGCTGGTGTACCAGGATCATTCGATCTGTTCCATCCACGTTT[CCT>C]CTTTCAATCTAAAGGATTGGAATTTTCATTAGTTTCATGGATTCATAGTGAAAATTTTGA-3'